The following is an entry in ClinVar:

ClinVar aggregate classification (germline): Conflicting classifications of pathogenicity. Review status: criteria provided, conflicting classifications (1 of 4 stars). 6 submissions from 6 submitters: Uncertain significance (2); Likely benign (3). 1 of the submissions does not count toward it. Last evaluated 2026-05-20.

Conditions:
ADAMTS13-related disorder. Also called: ADAMTS13-related condition.
Upshaw-Schulman syndrome (TTP). Also called: THROMBOTIC THROMBOCYTOPENIC PURPURA, HEREDITARY; Congenital thrombotic thrombocytopenic purpura. Identifiers: Orphanet 93583, MedGen C1268935, MONDO:0010122, OMIM 274150.

Allele frequency attached by ClinVar (database versions not stated): gnomAD exomes 0.00006; 1000 Genomes Project 30x 0.00016; ExAC 0.00022; gnomAD 0.00067; TOPMed 0.00068; ESP Exome Variant Server 0.00070.
gnomAD v4.1: 186 of 1,598,188 alleles (0.012%); highest among the groups gnomAD compares: African/African-American, 0.23%; 1 homozygote.

Submissions (6):

GeneDx
Classification: Uncertain significance. Last evaluated: 2026-05-20. Review status: criteria provided, single submitter. Criteria: GeneDx Variant Classification Process June 2021. Collection method: clinical testing. Allele origin: germline.
Comment: Identified in the heterozygous state in individuals with history of ischemic stroke (PMID: 36973604); In silico analysis suggests that this missense variant does not alter protein structure/function; This variant is associated with the following publications: (PMID: 36973604)

Labcorp Genetics (formerly Invitae), Labcorp
Classification: Likely benign. Last evaluated: 2026-01-11. Review status: criteria provided, single submitter. Criteria: Invitae Variant Classification Sherloc (09022015). Collection method: clinical testing. Allele origin: germline.

Mayo Clinic Laboratories, Mayo Clinic
Classification: Likely benign. Last evaluated: 2025-12-04. Review status: criteria provided, single submitter. Criteria: ACMG Guidelines, 2015. Collection method: clinical testing. Allele origin: germline. Observed: 1 variant allele.
Comment: BS1, BP4_moderate

Women's Health and Genetics/Laboratory Corporation of America, LabCorp
Classification: Uncertain significance. Last evaluated: 2025-11-18. Review status: criteria provided, single submitter. Criteria: LabCorp Variant Classification Summary - May 2015. Collection method: clinical testing. Allele origin: germline.
Comment: Variant summary: ADAMTS13 c.2254G>A (p.Gly752Ser) results in a non-conservative amino acid change in the encoded protein sequence. Algorithms developed to predict the effect of missense changes on protein structure and function are either unavailable or do not agree on the potential impact of this missense change. The variant allele was found at a frequency of 0.00013 in 223060 control chromosomes. This frequency is not significantly higher than estimated for disease-causing variants in ADAMTS13, allowing no conclusion about variant significance. To our knowledge, no occurrence of c.2254G>A in individuals affected with ADAMTS13-related conditions and no experimental evidence demonstrating its impact on protein function have been reported. ClinVar contains an entry for this variant (Variation ID: 2073261). Based on the evidence outlined above, the variant was classified as uncertain significance.

Fulgent Genetics
Classification: Likely benign for Upshaw-Schulman syndrome. Last evaluated: 2024-02-09. Review status: criteria provided, single submitter. Criteria: ACMG Guidelines, 2015. Collection method: clinical testing. Allele origin: germline.

PreventionGenetics, part of Exact Sciences
Classification: Likely benign for ADAMTS13-related condition. Last evaluated: 2024-01-16. Review status: no assertion criteria provided. Collection method: clinical testing. Allele origin: germline. Not counted in ClinVar's aggregate classification.
Comment: This variant is classified as likely benign based on ACMG/AMP sequence variant interpretation guidelines (Richards et al. 2015 PMID: 25741868, with internal and published modifications).

NM_139027.6(ADAMTS13):c.2254G>A (p.Gly752Ser)

Gene: ADAMTS13 (ADAM metallopeptidase with thrombospondin type 1 motif 13; plus strand). Cytogenetic location: 9q34.2.
Variant type: single nucleotide variant.
Coding change: c.2254G>A on transcript NM_139027.6 (MANE Select); coding-DNA position 2254, G replaced by A.
Protein change: p.Gly752Ser; replaces glycine 752 with serine.
Molecular consequence: missense variant.
Genome position (GRCh38, 1-based): chr9:133,443,395, G>A. VCF-style: chr9-133443395-G-A. GRCh37 (hg19) VCF-style: chr9-136308516-G-A.
Other names: p.Gly752Ser; c.2254G>A, p.Gly752Ser (NM_139025.5); c.2161G>A, p.Gly721Ser (NM_139026.6); c.2254G>A (NM_139025.3); short protein forms G721S, G752S.
Identifiers: ClinVar variation 2073261 (VCV002073261.11), dbSNP rs148734700, ClinGen allele CA200934693.
Genomic context (GRCh38, chr9:133,443,395, plus strand): 5'-GGGACCTGGCCAGGGTCCCGACGCTCTGTCTCCTTCCTCAGCTGGGCGGTGGGAGACTTC[G>A]GCCCATGCAGCGCCTCCTGTGGGGGTGGCCTGCGGGAGCGGCCAGTGCGCTGCGTGGAGG-3'
Protein context (NP_620596.2, residues 742-762): CPPYWAVGDF[Gly752Ser]PCSASCGGGL